The following is an entry in ClinVar:

ClinVar aggregate classification (germline): Uncertain significance (1 of 4 stars; one submission).

gnomAD v4.1: 3 of 1,210,569 alleles (0.00025%); highest among the groups gnomAD compares: South Asian, 0.0053%; no homozygotes.

Submission:

Ambry Genetics
Classification: Uncertain significance. Last evaluated: 2025-11-25. Review status: criteria provided, single submitter. Criteria: Ambry Variant Classification Scheme 2023. Collection method: clinical testing. Allele origin: germline.
Comment: The c.2618G>A (p.G873D) alteration is located in exon 14 (coding exon 13) of the PLXNA3 gene. This alteration results from a G to A substitution at nucleotide position 2618, causing the glycine (G) at amino acid position 873 to be replaced by an aspartic acid (D). Based on data from gnomAD, the A allele has an overall frequency of 0.001% (2/180703) total alleles studied. The highest observed frequency was 0.011% (2/18742) of South Asian alleles. Based on insufficient or conflicting evidence, the clinical significance of this alteration remains unclear.

NM_017514.5(PLXNA3):c.2618G>A (p.Gly873Asp)

Gene: PLXNA3 (plexin A3; plus strand). Cytogenetic location: Xq28.
Variant type: single nucleotide variant.
Coding change: c.2618G>A on transcript NM_017514.5 (MANE Select); coding-DNA position 2618, G replaced by A.
Protein change: p.Gly873Asp; replaces glycine 873 with aspartic acid.
Molecular consequence: missense variant.
Genome position (GRCh38, 1-based): chrX:154,466,020, G>A. VCF-style: chrX-154466020-G-A. GRCh37 (hg19) VCF-style: chrX-153694363-G-A.
Other names: short protein forms G873D.
Identifiers: ClinVar variation 4569765 (VCV004569765.1).